The following is an entry in ClinVar:

ClinVar aggregate classification (germline): Likely benign. Review status: criteria provided, multiple submitters, no conflicts (2 of 4 stars). 3 submissions from 3 submitters: Likely benign (3). Last evaluated 2026-04-01.

Conditions:
Congenital insensitivity to pain-hypohidrosis syndrome. Also called: Neuropathy, hereditary sensory and autonomic, type VIII; HSAN VIII. Identifiers: Orphanet 478664, MedGen C4225308, MONDO:0014662, OMIM 616488.
PRDM12-related disorder. Also called: PRDM12-related condition.

Allele frequency attached by ClinVar (database versions not stated): gnomAD exomes 0.00016; ExAC 0.00021; TOPMed 0.00034; gnomAD 0.00036 and 0.00037; ESP Exome Variant Server 0.00046; 1000 Genomes Project 0.00060; 1000 Genomes Project 30x 0.00078.
gnomAD v4.1: 135 of 1,614,052 alleles (0.0084%); highest among the groups gnomAD compares: African/African-American, 0.13%; no homozygotes.

Submissions (3):

CeGaT Center for Human Genetics Tuebingen
Classification: Likely benign. Last evaluated: 2026-04-01. Review status: criteria provided, single submitter. Criteria: CeGaT Center For Human Genetics Tuebingen Variant Classification Criteria Version 2. Collection method: clinical testing. Allele origin: germline. Affected: yes. Observed: 1 variant allele.
Comment: PRDM12: BP4, BP7

Labcorp Genetics (formerly Invitae), Labcorp
Classification: Likely benign for Congenital insensitivity to pain-hypohidrosis syndrome. Last evaluated: 2025-05-31. Review status: criteria provided, single submitter. Criteria: Invitae Variant Classification Sherloc (09022015). Collection method: clinical testing. Allele origin: germline.

PreventionGenetics, part of Exact Sciences
Classification: Likely benign for PRDM12-related condition. Last evaluated: 2025-05-28. Review status: criteria provided, single submitter. Criteria: ACMG Guidelines, 2015. Collection method: clinical testing. Allele origin: germline.
Comment: This variant is classified as likely benign based on ACMG/AMP sequence variant interpretation guidelines (Richards et al. 2015 PMID: 25741868, with internal and published modifications).

NM_021619.3(PRDM12):c.540C>T (p.Ile180=)

Gene: PRDM12 (PR/SET domain 12; plus strand). Cytogenetic location: 9q34.12.
Variant type: single nucleotide variant.
Coding change: c.540C>T on transcript NM_021619.3 (MANE Select); coding-DNA position 540, C replaced by T.
Protein change: p.Ile180=; no amino-acid change (isoleucine 180 retained).
Molecular consequence: synonymous variant.
Genome position (GRCh38, 1-based): chr9:130,668,283, C>T. VCF-style: chr9-130668283-C-T. GRCh37 (hg19) VCF-style: chr9-133543670-C-T.
Identifiers: ClinVar variation 702870 (VCV000702870.14), dbSNP rs145300834, ClinGen allele CA5284561.
Genomic context (GRCh38, chr9:130,668,283, plus strand): 5'-GATGACCTACATCAAGTGTGCACGTAACGAACAGGAGCAGAACCTGGAGGTGGTCCAGAT[C>T]GGCACCAGCATCTTCTACAAGGCCATTGAGGTGTGTGTGTGTGTGTGCACTGTTGTGTAG-3'
Protein context (NP_067632.2, residues 170-190): EQEQNLEVVQ[Ile180=]GTSIFYKAIE